The following is an entry in ClinVar:

NM_000222.3(KIT):c.1102G>A (p.Glu368Lys)

Gene: KIT (KIT proto-oncogene, receptor tyrosine kinase; plus strand). Cytogenetic location: 4q12.
Variant type: single nucleotide variant.
Coding change: c.1102G>A on transcript NM_000222.3 (MANE Select); coding-DNA position 1102, G replaced by A.
Protein change: p.Glu368Lys; replaces glutamic acid 368 with lysine.
Molecular consequence: missense variant.
Genome position (GRCh38, 1-based): chr4:54,707,274, G>A. VCF-style: chr4-54707274-G-A. GRCh37 (hg19) VCF-style: chr4-55573440-G-A.
Other names: c.1102G>A, p.Glu368Lys (NM_001093772.2, NM_001385285.1, NM_001385286.1); c.1105G>A, p.Glu369Lys (NM_001385284.1, NM_001385288.1, NM_001385290.1 and 1 more transcripts); short protein forms E368K, E369K.
Identifiers: ClinVar variation 2703853 (VCV002703853.3), dbSNP rs2475479230, ClinGen allele CA356901173.

ClinVar aggregate classification (germline): Uncertain significance (1 of 4 stars; one submission).

Conditions:
Gastrointestinal stromal tumor. Also called: Gastrointestinal stromal tumor, somatic; Gastrointestinal stroma tumor. Identifiers: Orphanet 44890, MedGen C0238198, MeSH D046152, MONDO:0011719, OMIM 606764, HP:0100723.

Submission:

Labcorp Genetics (formerly Invitae), Labcorp
Classification: Uncertain significance for Gastrointestinal stromal tumor. Last evaluated: 2023-12-18. Review status: criteria provided, single submitter. Criteria: Invitae Variant Classification Sherloc (09022015). Collection method: clinical testing. Allele origin: germline.
Comment: This sequence change replaces glutamic acid, which is acidic and polar, with lysine, which is basic and polar, at codon 368 of the KIT protein (p.Glu368Lys). This variant is not present in population databases (gnomAD no frequency). This variant has not been reported in the literature in individuals affected with KIT-related conditions. Algorithms developed to predict the effect of missense changes on protein structure and function output the following: SIFT: "Not Available"; PolyPhen-2: "Benign"; Align-GVGD: "Not Available". The lysine amino acid residue is found in multiple mammalian species, which suggests that this missense change does not adversely affect protein function. In summary, the available evidence is currently insufficient to determine the role of this variant in disease. Therefore, it has been classified as a Variant of Uncertain Significance.